The following is an entry in ClinVar:

ClinVar aggregate classification (germline): Pathogenic (1 of 4 stars; one submission).

Conditions:
Pseudo-Hurler polydystrophy. Also called: MUCOLIPIDOSIS IIIA; ML III; ML III ALPHA/BETA; Type III Mucolipidosis; ML IIIA; Mucolipidosis III Alpha/Beta. Identifiers: Orphanet 423461, Orphanet 577, MedGen C0033788, MONDO:0018931, OMIM 252600.
Mucolipidosis type II. Also called: Mucolipidosis II Alpha/Beta; ML II ALPHA/BETA; Mucolipidosis 2; ML 2; Inclusion cell disease; Leroy Disease. Identifiers: Orphanet 576, MedGen C2673377, MONDO:0009650, OMIM 252500.

Submission:

Labcorp Genetics (formerly Invitae), Labcorp
Classification: Pathogenic for Pseudo-Hurler polydystrophy; Mucolipidosis type II. Last evaluated: 2021-12-18. Review status: criteria provided, single submitter. Criteria: Invitae Variant Classification Sherloc (09022015). Collection method: clinical testing. Allele origin: germline.
Comment: For these reasons, this variant has been classified as Pathogenic. This variant has not been reported in the literature in individuals affected with GNPTAB-related conditions. This variant is not present in population databases (gnomAD no frequency). This sequence change creates a premature translational stop signal (p.Gln769*) in the GNPTAB gene. It is expected to result in an absent or disrupted protein product. Loss-of-function variants in GNPTAB are known to be pathogenic (PMID: 19617216, 25107912).

Literature cited by the submitters: PubMed 19617216; PubMed 25107912.

NM_024312.5(GNPTAB):c.2305C>T (p.Gln769Ter)

Gene: GNPTAB (N-acetylglucosamine-1-phosphate transferase subunits alpha and beta; minus strand). Cytogenetic location: 12q23.2.
Variant type: single nucleotide variant.
Coding change: c.2305C>T on transcript NM_024312.5 (MANE Select); coding-DNA position 2305, C replaced by T.
Protein change: p.Gln769Ter; replaces glutamine 769 with a stop codon.
Molecular consequence: nonsense.
Genome position (GRCh38, 1-based): chr12:101,764,612, G>A on the plus strand (C>T on the coding strand, the complement: GNPTAB is on the minus strand). VCF-style: chr12-101764612-G-A. GRCh37 (hg19) VCF-style: chr12-102158390-G-A.
Other names: short protein forms Q769*.
Identifiers: ClinVar variation 2046217 (VCV002046217.4), dbSNP rs1235685630, ClinGen allele CA386298538.